The following is an entry in ClinVar:

ClinVar aggregate classification (germline): Uncertain significance (1 of 4 stars; one submission).

Allele frequency attached by ClinVar (database versions not stated): gnomAD exomes below 0.00001; gnomAD 0.00001.
gnomAD v4.1: 3 of 1,613,062 alleles (0.00019%); highest among the groups gnomAD compares: African/African-American, 0.0027%; no homozygotes.

Submission:

Labcorp Genetics (formerly Invitae), Labcorp
Classification: Uncertain significance. Last evaluated: 2023-10-05. Review status: criteria provided, single submitter. Criteria: Invitae Variant Classification Sherloc (09022015). Collection method: clinical testing. Allele origin: germline.
Comment: This sequence change replaces aspartic acid, which is acidic and polar, with asparagine, which is neutral and polar, at codon 270 of the SLC12A2 protein (p.Asp270Asn). This variant is present in population databases (no rsID available, gnomAD 0.004%). This variant has not been reported in the literature in individuals affected with SLC12A2-related conditions. Advanced modeling of protein sequence and biophysical properties (such as structural, functional, and spatial information, amino acid conservation, physicochemical variation, residue mobility, and thermodynamic stability) performed at Invitae indicates that this missense variant is not expected to disrupt SLC12A2 protein function. In summary, the available evidence is currently insufficient to determine the role of this variant in disease. Therefore, it has been classified as a Variant of Uncertain Significance.

NM_001046.3(SLC12A2):c.808G>A (p.Asp270Asn)

Gene: SLC12A2 (solute carrier family 12 member 2; plus strand). Cytogenetic location: 5q23.3.
Variant type: single nucleotide variant.
Coding change: c.808G>A on transcript NM_001046.3 (MANE Select); coding-DNA position 808, G replaced by A.
Protein change: p.Asp270Asn; replaces aspartic acid 270 with asparagine.
Molecular consequence: missense variant. On other transcripts: non-coding transcript variant (1).
Genome position (GRCh38, 1-based): chr5:128,112,865, G>A. VCF-style: chr5-128112865-G-A. GRCh37 (hg19) VCF-style: chr5-127448557-G-A.
Other names: c.808G>A, p.Asp270Asn (NM_001256461.2); short protein forms D270N.
Identifiers: ClinVar variation 2971038 (VCV002971038.3), dbSNP rs1342882287, ClinGen allele CA360737763.